The following is an entry in ClinVar:

ClinVar aggregate classification (germline): Uncertain significance. Review status: criteria provided, multiple submitters, no conflicts (2 of 4 stars). 2 submissions from 2 submitters: Uncertain significance (2). Last evaluated 2025-11-01.

Allele frequency attached by ClinVar (database versions not stated): TOPMed 0.00001.

Submissions (2):

CeGaT Center for Human Genetics Tuebingen
Classification: Uncertain significance. Last evaluated: 2025-11-01. Review status: criteria provided, single submitter. Criteria: CeGaT Center For Human Genetics Tuebingen Variant Classification Criteria Version 2. Collection method: clinical testing. Allele origin: germline. Affected: yes. Observed: 1 variant allele.
Comment: COL4A1: PM2

Labcorp Genetics (formerly Invitae), Labcorp
Classification: Uncertain significance. Last evaluated: 2022-11-24. Review status: criteria provided, single submitter. Criteria: Invitae Variant Classification Sherloc (09022015). Collection method: clinical testing. Allele origin: germline.
Comment: This sequence change replaces methionine, which is neutral and non-polar, with valine, which is neutral and non-polar, at codon 1529 of the COL4A1 protein (p.Met1529Val). This variant is not present in population databases (gnomAD no frequency). This variant has not been reported in the literature in individuals affected with COL4A1-related conditions. Algorithms developed to predict the effect of missense changes on protein structure and function are either unavailable or do not agree on the potential impact of this missense change (SIFT: "Deleterious"; PolyPhen-2: "Not Available"; Align-GVGD: "Class C15"). In summary, the available evidence is currently insufficient to determine the role of this variant in disease. Therefore, it has been classified as a Variant of Uncertain Significance.

NM_001845.6(COL4A1):c.4585A>G (p.Met1529Val)

Gene: COL4A1 (collagen type IV alpha 1 chain; minus strand). Cytogenetic location: 13q34.
Variant type: single nucleotide variant.
Coding change: c.4585A>G on transcript NM_001845.6 (MANE Select); coding-DNA position 4585, A replaced by G.
Protein change: p.Met1529Val; replaces methionine 1529 with valine.
Molecular consequence: missense variant.
Genome position (GRCh38, 1-based): chr13:110,161,247, T>C on the plus strand (A>G on the coding strand, the complement: COL4A1 is on the minus strand). VCF-style: chr13-110161247-T-C. GRCh37 (hg19) VCF-style: chr13-110813594-T-C.
Other names: short protein forms M1529V.
Identifiers: ClinVar variation 2965033 (VCV002965033.9), dbSNP rs1275966070, ClinGen allele CA388657208.
Genomic context (GRCh38, chr13:110,161,247, plus strand): 5'-CTCACCTACTAATAAATGGTCTTATGTTTTCCCCCGTGATGGGTGCCATTGACATGGGCA[T>C]GGGCTCAGGGGTGGACAGCCAGTACGAGTAGTCATTTCGTGATGCAAAGTTGCACACGTT-3'
Protein context (NP_001836.3, residues 1519-1539): YSYWLSTPEP[Met1529Val]PMSMAPITGE